The following is an entry in ClinVar:

ClinVar aggregate classification (germline): Likely benign. Review status: criteria provided, multiple submitters, no conflicts (2 of 4 stars). 4 submissions from 4 submitters: Likely benign (4). Last evaluated 2025-08-15.

Conditions:
Spastic ataxia 2. Also called: Ataxia, spastic, 2, autosomal recessive. Identifiers: Orphanet 397946, MedGen C1969796, MONDO:0012651, OMIM 611302.

Allele frequency attached by ClinVar (database versions not stated): gnomAD 0.00005 and 0.00006; TOPMed 0.00005; ESP Exome Variant Server 0.00008; gnomAD exomes 0.00015 and 0.00016; ExAC 0.00022.
gnomAD v4.1: 242 of 1,602,518 alleles (0.015%); highest among the groups gnomAD compares: South Asian, 0.071%; no homozygotes.

Submissions (4):

Labcorp Genetics (formerly Invitae), Labcorp
Classification: Likely benign for Spastic ataxia 2. Last evaluated: 2025-08-15. Review status: criteria provided, single submitter. Criteria: Invitae Variant Classification Sherloc (09022015). Collection method: clinical testing. Allele origin: germline.

CeGaT Center for Human Genetics Tuebingen
Classification: Likely benign. Last evaluated: 2024-09-01. Review status: criteria provided, single submitter. Criteria: CeGaT Center For Human Genetics Tuebingen Variant Classification Criteria Version 2. Collection method: clinical testing. Allele origin: germline. Affected: yes. Observed: 1 variant allele.
Comment: KIF1C: BP4, BP7

Women's Health and Genetics/Laboratory Corporation of America, LabCorp
Classification: Likely benign. Last evaluated: 2024-08-08. Review status: criteria provided, single submitter. Criteria: LabCorp Variant Classification Summary - May 2015. Collection method: clinical testing. Allele origin: germline.

Blueprint Genetics
Classification: Likely benign. Last evaluated: 2023-10-04. Review status: criteria provided, single submitter. Criteria: ACMG Guidelines, 2015. Collection method: clinical testing. Allele origin: germline.

NM_006612.6(KIF1C):c.2253G>A (p.Ala751=)

Gene: KIF1C (kinesin family member 1C; plus strand). Cytogenetic location: 17p13.2.
Variant type: single nucleotide variant.
Coding change: c.2253G>A on transcript NM_006612.6 (MANE Select); coding-DNA position 2253, G replaced by A.
Protein change: p.Ala751=; no amino-acid change (alanine 751 retained).
Molecular consequence: synonymous variant.
Genome position (GRCh38, 1-based): chr17:5,022,334, G>A. VCF-style: chr17-5022334-G-A. GRCh37 (hg19) VCF-style: chr17-4925629-G-A.
Identifiers: ClinVar variation 1535586 (VCV001535586.24), dbSNP rs369231480, ClinGen allele CA8319252.